The following is an entry in ClinVar:

NM_002048.3(GAS1):c.528C>T (p.Asp176=)

Gene: GAS1 (growth arrest specific 1; minus strand). Cytogenetic location: 9q21.33.
Variant type: single nucleotide variant.
Coding change: c.528C>T on transcript NM_002048.3 (MANE Select); coding-DNA position 528, C replaced by T.
Protein change: p.Asp176=; no amino-acid change (aspartic acid 176 retained).
Molecular consequence: synonymous variant.
Genome position (GRCh38, 1-based): chr9:86,946,252, G>A on the plus strand (C>T on the coding strand, the complement: GAS1 is on the minus strand). VCF-style: chr9-86946252-G-A. GRCh37 (hg19) VCF-style: chr9-89561167-G-A.
Other names: c.528C>T (NM_002048.2).
Identifiers: ClinVar variation 2888980 (VCV002888980.5), dbSNP rs373433865, ClinGen allele CA5109444.
Genomic context (GRCh38, chr9:86,946,252, plus strand): 5'-CCCGTTGAAGACTTTGCCGCAGTAGGTCAGGTAGCGGCTCAGCGCCAGGTTGCAGCGGCT[G>A]TCGCGGTCGCAGCGCCGCCGGGCCTCGGTGCAGCCCATGACCCCGCCCGCGCCGGGGCCG-3'
Protein context (NP_002039.2, residues 166-186): CTEARRRCDR[Asp176=]SRCNLALSRY

ClinVar aggregate classification (germline): Likely benign. Review status: criteria provided, single submitter (1 of 4 stars). 2 submissions from 2 submitters: Likely benign (1). 1 of the submissions does not count toward it. Last evaluated 2025-08-15.

Conditions:
GAS1-related disorder. Also called: GAS1-related condition.

Allele frequency attached by ClinVar (database versions not stated): gnomAD 0.00030; ESP Exome Variant Server 0.00046; TOPMed 0.00047; gnomAD exomes 0.00003; ExAC 0.00022.

Submissions (2):

Labcorp Genetics (formerly Invitae), Labcorp
Classification: Likely benign. Last evaluated: 2025-08-15. Review status: criteria provided, single submitter. Criteria: Invitae Variant Classification Sherloc (09022015). Collection method: clinical testing. Allele origin: germline.

PreventionGenetics, part of Exact Sciences
Classification: Likely benign for GAS1-related condition. Last evaluated: 2022-08-10. Review status: no assertion criteria provided. Collection method: clinical testing. Allele origin: germline. Not counted in ClinVar's aggregate classification.
Comment: This variant is classified as likely benign based on ACMG/AMP sequence variant interpretation guidelines (Richards et al. 2015 PMID: 25741868, with internal and published modifications).